The following is an entry in ClinVar:

NM_017534.6(MYH2):c.737G>A (p.Arg246His)

Genes: MYHAS (myosin heavy chain gene cluster antisense RNA; plus strand), MYH2 (myosin heavy chain 2; minus strand), LOC126862501 (CDK7 strongly-dependent group 2 enhancer GRCh37_chr17:10446256-10447455; plus strand). Cytogenetic location: 17p13.1.
Variant type: single nucleotide variant.
Coding change: c.737G>A on transcript NM_017534.6 (MANE Select); coding-DNA position 737, G replaced by A.
Protein change: p.Arg246His; replaces arginine 246 with histidine.
Molecular consequence: missense variant.
Genome position (GRCh38, 1-based): chr17:10,543,715, C>T on the plus strand (G>A on the coding strand, the complement: MYH2 is on the minus strand). VCF-style: chr17-10543715-C-T. GRCh37 (hg19) VCF-style: chr17-10447032-C-T.
Other names: c.737G>A, p.Arg246His (NM_001100112.2); short protein forms R246H.
Identifiers: ClinVar variation 1421144 (VCV001421144.8), dbSNP rs773713563, ClinGen allele CA8391556.

ClinVar aggregate classification (germline): Uncertain significance (1 of 4 stars; one submission).

Conditions:
Myopathy, proximal, and ophthalmoplegia (CMYO6). Also called: MYOPATHY WITH CONGENITAL JOINT CONTRACTURES, OPHTHALMOPLEGIA, AND RIMMED VACUOLES; INCLUSION BODY MYOPATHY 3, AUTOSOMAL DOMINANT; CONGENITAL MYOPATHY 6 WITH OPHTHALMOPLEGIA. Identifiers: Orphanet 363677, Orphanet 79091, MedGen C1854106, MONDO:0011577, OMIM 605637.

Allele frequency attached by ClinVar (database versions not stated): ExAC 0.00001; gnomAD 0.00001; gnomAD exomes 0.00001; TOPMed 0.00001.

Submission:

Labcorp Genetics (formerly Invitae), Labcorp
Classification: Uncertain significance for Myopathy, proximal, and ophthalmoplegia. Last evaluated: 2021-07-21. Review status: criteria provided, single submitter. Criteria: Invitae Variant Classification Sherloc (09022015). Collection method: clinical testing. Allele origin: germline.
Comment: This sequence change replaces arginine with histidine at codon 246 of the MYH2 protein (p.Arg246His). The arginine residue is highly conserved and there is a small physicochemical difference between arginine and histidine. This variant is present in population databases (rs773713563, ExAC 0.001%). In summary, the available evidence is currently insufficient to determine the role of this variant in disease. Therefore, it has been classified as a Variant of Uncertain Significance. Algorithms developed to predict the effect of missense changes on protein structure and function (SIFT, PolyPhen-2, Align-GVGD) all suggest that this variant is likely to be disruptive, but these predictions have not been confirmed by published functional studies and their clinical significance is uncertain. This variant has been observed in individual(s) with autosomal recessive MYH2-related myopathy (PMID: 29934118).

Literature cited by the submitters: PubMed 29934118.